The following is an entry in ClinVar:

NM_001387691.1(POM121):c.2498A>G (p.Lys833Arg)

Gene: POM121 (POM121 transmembrane nucleoporin; plus strand). Cytogenetic location: 7q11.23.
Variant type: single nucleotide variant.
Coding change: c.2498A>G on transcript NM_001387691.1 (MANE Select); coding-DNA position 2498, A replaced by G.
Protein change: p.Lys833Arg; replaces lysine 833 with arginine.
Molecular consequence: missense variant.
Genome position (GRCh38, 1-based): chr7:72,942,491, A>G. VCF-style: chr7-72942491-A-G. GRCh37 (hg19) VCF-style: chr7-72413030-A-G.
Other names: c.1703A>G, p.Lys568Arg (NM_001257190.3, NM_001387685.1, NM_001387686.1 and 10 more transcripts); c.1526A>G, p.Lys509Arg (NM_001367610.1, NM_001387701.1, NM_001387702.1 and 2 more transcripts); c.2321A>G, p.Lys774Arg (NM_001387692.1); c.2210A>G, p.Lys737Arg (NM_001387693.1); c.1721A>G, p.Lys574Arg (NM_001387694.1); c.1415A>G, p.Lys472Arg (NM_001387705.1); short protein forms K472R, K509R, K574R, K568R, K737R, K774R, K833R.
Identifiers: ClinVar variation 2357713 (VCV002357713.3), dbSNP rs1461217361, ClinGen allele CA367719285.
Genomic context (GRCh38, chr7:72,942,491, plus strand): 5'-GCGCCACCTCTGCTGTGGCTCCCATCACCTCTGCCAGTCCATCCACAGACTCTGCTTCGA[A>G]GCCTGCGTTTGGCTTTGGCATAAACAGTGTGAGCAGCAGCAGTGTGAGTACCACGACCAG-3'
Protein context (NP_001374620.1, residues 823-843): SASPSTDSAS[Lys833Arg]PAFGFGINSV

ClinVar aggregate classification (germline): Conflicting classifications of pathogenicity. Review status: criteria provided, conflicting classifications (1 of 4 stars). 2 submissions from 2 submitters: Uncertain significance (1); Likely benign (1). Last evaluated 2026-08-01.

Allele frequency attached by ClinVar (database versions not stated): gnomAD exomes 0.00038.

Submissions (2):

CeGaT Center for Human Genetics Tuebingen
Classification: Likely benign. Last evaluated: 2026-08-01. Review status: criteria provided, single submitter. Criteria: CeGaT Center For Human Genetics Tuebingen Variant Classification Criteria Version 2. Collection method: clinical testing. Allele origin: germline. Affected: yes. Observed: 1 variant allele.
Comment: POM121: BS2

Ambry Genetics
Classification: Uncertain significance. Last evaluated: 2021-10-06. Review status: criteria provided, single submitter. Criteria: Ambry Variant Classification Scheme 2023. Collection method: clinical testing. Allele origin: germline.